The following is an entry in ClinVar:

ClinVar aggregate classification (germline): Pathogenic (1 of 4 stars; one submission).

Conditions:
Neurofibromatosis, type 1 (NF1). Also called: Neurofibromatosis, type I; Peripheral type neurofibromatosis; VON RECKLINGHAUSEN DISEASE; NEUROFIBROMATOSIS, TYPE I, SOMATIC. Identifiers: Orphanet 636, MedGen C0027831, MONDO:0018975, OMIM 162200. Disease mechanism: loss of function.

Submission:

Labcorp Genetics (formerly Invitae), Labcorp
Classification: Pathogenic for Neurofibromatosis, type 1. Last evaluated: 2022-07-03. Review status: criteria provided, single submitter. Criteria: Invitae Variant Classification Sherloc (09022015). Collection method: clinical testing. Allele origin: germline.
Comment: For these reasons, this variant has been classified as Pathogenic. This variant has not been reported in the literature in individuals affected with NF1-related conditions. This variant is not present in population databases (gnomAD no frequency). This sequence change creates a premature translational stop signal (p.Leu2421Phefs*15) in the NF1 gene. It is expected to result in an absent or disrupted protein product. Loss-of-function variants in NF1 are known to be pathogenic (PMID: 10712197, 23913538).

Literature cited by the submitters: PubMed 10712197; PubMed 23913538.

NM_001042492.3(NF1):c.7324_7325dup (p.Leu2442fs)

Gene: NF1 (neurofibromin 1; plus strand). Cytogenetic location: 17q11.2.
Variant type: Duplication.
Coding change: c.7324_7325dup on transcript NM_001042492.3 (MANE Select); coding-DNA positions 7324 to 7325, 2 bases duplicated (TT; older notation c.7324_7325dupTT).
Protein change: p.Leu2442fs; shifts the reading frame from leucine 2442.
Molecular consequence: frameshift variant.
Genome position (GRCh38, 1-based): chr17:31,350,185-31,350,186, TT duplicated; duplicating any 2 consecutive bases within chr17:31,350,184-31,350,186 gives the same sequence; the c. name uses the placement nearest the transcript's 3' end. VCF-style (leftmost placement, unchanged base first): chr17-31350183-C-CTT. GRCh37 (hg19) VCF-style: chr17-29677201-C-CTT.
Other names: c.7261_7262dup, p.Leu2421Phefs (NM_000267.4); short protein forms L2442fs, L2421fs.
Identifiers: ClinVar variation 2013612 (VCV002013612.4), dbSNP rs1597859558, ClinGen allele CA2580093361.